The following is an entry in ClinVar:

NM_016203.4(PRKAG2):c.1363A>G (p.Arg455Gly)

Gene: PRKAG2 (protein kinase AMP-activated non-catalytic subunit gamma 2; minus strand). Cytogenetic location: 7q36.1.
Variant type: single nucleotide variant.
Coding change: c.1363A>G on transcript NM_016203.4 (MANE Select); coding-DNA position 1363, A replaced by G.
Protein change: p.Arg455Gly; replaces arginine 455 with glycine.
Molecular consequence: missense variant.
Genome position (GRCh38, 1-based): chr7:151,565,756, T>C on the plus strand (A>G on the coding strand, the complement: PRKAG2 is on the minus strand). VCF-style: chr7-151565756-T-C. GRCh37 (hg19) VCF-style: chr7-151262842-T-C.
Other names: c.1231A>G, p.Arg411Gly (NM_001040633.2, NM_001407024.1); c.988A>G, p.Arg330Gly (NM_001304527.2, NM_001407029.1); c.640A>G, p.Arg214Gly (NM_001304531.2, NM_001407034.1, NM_001407035.1 and 1 more transcripts); c.991A>G, p.Arg331Gly (NM_001363698.2, NM_001407028.1); c.1363A>G, p.Arg455Gly (NM_001407021.1); c.1360A>G, p.Arg454Gly (NM_001407022.1, NM_001407023.1); c.1228A>G, p.Arg410Gly (NM_001407026.1, NM_001407027.1); c.1075A>G, p.Arg359Gly (NM_001407030.1); and 6 more; short protein forms R213G, R214G, R230G, R234G, R330G, R331G, R347G, R349G.
Identifiers: ClinVar variation 4802502 (VCV004802502.1).

ClinVar aggregate classification (germline): Uncertain significance (1 of 4 stars; one submission).

Conditions:
Lethal congenital glycogen storage disease of heart. Also called: GLYCOGEN STORAGE DISEASE OF HEART; PHOSPHORYLASE KINASE DEFICIENCY OF HEART. Identifiers: Orphanet 439854, MedGen C1849813, MONDO:0009867, OMIM 261740.

Submission:

Labcorp Genetics (formerly Invitae), Labcorp
Classification: Uncertain significance for Lethal congenital glycogen storage disease of heart. Last evaluated: 2025-11-12. Review status: criteria provided, single submitter. Criteria: Invitae Variant Classification Sherloc (09022015). Collection method: clinical testing. Allele origin: germline.
Comment: This sequence change replaces arginine, which is basic and polar, with glycine, which is neutral and non-polar, at codon 455 of the PRKAG2 protein (p.Arg455Gly). This variant is not present in population databases (gnomAD no frequency). This variant has not been reported in the literature in individuals affected with PRKAG2-related conditions. Invitae Evidence Modeling of protein sequence and biophysical properties (such as structural, functional, and spatial information, amino acid conservation, physicochemical variation, residue mobility, and thermodynamic stability) has been performed for this missense variant. However, the output from this modeling did not meet the statistical confidence thresholds required to predict the impact of this variant on PRKAG2 protein function. In summary, the available evidence is currently insufficient to determine the role of this variant in disease. Therefore, it has been classified as a Variant of Uncertain Significance.